The following is an entry in ClinVar:

NM_001190274.2(FBXO11):c.16G>A (p.Ala6Thr)

Genes: FBXO11 (F-box protein 11; minus strand), LOC100506235 (uncharacterized LOC100506235; plus strand). Cytogenetic location: 2p16.3.
Variant type: single nucleotide variant.
Coding change: c.16G>A on transcript NM_001190274.2 (MANE Select); coding-DNA position 16, G replaced by A.
Protein change: p.Ala6Thr; replaces alanine 6 with threonine.
Molecular consequence: missense variant. On other transcripts: non-coding transcript variant (1).
Genome position (GRCh38, 1-based): chr2:47,905,705, C>T on the plus strand (G>A on the coding strand, the complement: FBXO11 is on the minus strand). VCF-style: chr2-47905705-C-T. GRCh37 (hg19) VCF-style: chr2-48132844-C-T.
Other names: short protein forms A6T.
Identifiers: ClinVar variation 2956861 (VCV002956861.3), dbSNP rs1213270152, ClinGen allele CA346813184.

ClinVar aggregate classification (germline): Uncertain significance (1 of 4 stars; one submission).

Allele frequency attached by ClinVar (database versions not stated): gnomAD exomes below 0.00001.
gnomAD v4.1: 1 of 1,522,128 alleles (0.000066%); highest among the groups gnomAD compares: Non-Finnish European, 0.000088%; no homozygotes.

Submission:

Labcorp Genetics (formerly Invitae), Labcorp
Classification: Uncertain significance. Last evaluated: 2024-06-04. Review status: criteria provided, single submitter. Criteria: Invitae Variant Classification Sherloc (09022015). Collection method: clinical testing. Allele origin: germline.
Comment: This sequence change replaces alanine, which is neutral and non-polar, with threonine, which is neutral and polar, at codon 6 of the FBXO11 protein (p.Ala6Thr). This variant is not present in population databases (gnomAD no frequency). This variant has not been reported in the literature in individuals affected with FBXO11-related conditions. Experimental studies and prediction algorithms are not available or were not evaluated, and the functional significance of this variant is currently unknown. In summary, the available evidence is currently insufficient to determine the role of this variant in disease. Therefore, it has been classified as a Variant of Uncertain Significance.